The following is an entry in ClinVar:

ClinVar aggregate classification (germline): Uncertain significance (1 of 4 stars; one submission).

gnomAD v4.1: 5 of 1,614,134 alleles (0.00031%); highest among the groups gnomAD compares: East Asian, 0.011%; no homozygotes.

Submission:

Dasa
Classification: Uncertain significance. Last evaluated: 2026-04-26. Review status: criteria provided, single submitter. Criteria: DASA Assertion Criteria. Collection method: clinical testing. Allele origin: germline.
Comment: NM_001197104.2(KMT2A):c.11584G>T (p.Ala3862Ser) is a missense variant that results in the substitution of alanine with serine. This variant is rare in population databases. The currently available literature and clinical evidence are not sufficient to establish a definitive association between this variant and the reported condition. Therefore, this variant is classified as a variant of uncertain significance.

NM_001197104.2(KMT2A):c.11584G>T (p.Ala3862Ser)

Genes: KMT2A (lysine methyltransferase 2A; plus strand), TTC36-AS1 (TTC36 and KMT2A antisense RNA 1; minus strand). Cytogenetic location: 11q23.3.
Variant type: single nucleotide variant.
Coding change: c.11584G>T on transcript NM_001197104.2 (MANE Select); coding-DNA position 11584, G replaced by T.
Protein change: p.Ala3862Ser; replaces alanine 3862 with serine.
Molecular consequence: missense variant.
Genome position (GRCh38, 1-based): chr11:118,521,358, G>T. VCF-style: chr11-118521358-G-T. GRCh37 (hg19) VCF-style: chr11-118392073-G-T.
Other names: c.11674G>T, p.Ala3892Ser (NM_001412597.1); c.11575G>T, p.Ala3859Ser (NM_005933.4); short protein forms A3859S, A3862S, A3892S.
Identifiers: ClinVar variation 4882609 (VCV004882609.2).